The following is an entry in ClinVar:

ClinVar aggregate classification (germline): Uncertain significance (1 of 4 stars; one submission).

Conditions:
Fanconi anemia (FA). Also called: Fanconi's anemia. Identifiers: Orphanet 84, MedGen C0015625, MeSH D005199, MONDO:0019391.

Allele frequency attached by ClinVar (database versions not stated): TOPMed below 0.00001; gnomAD exomes 0.00001.
gnomAD v4.1: 7 of 1,612,860 alleles (0.00043%); highest among the groups gnomAD compares: South Asian, 0.0033%; no homozygotes.

Submission:

Labcorp Genetics (formerly Invitae), Labcorp
Classification: Uncertain significance for Fanconi anemia. Last evaluated: 2025-12-17. Review status: criteria provided, single submitter. Criteria: Invitae Variant Classification Sherloc (09022015). Collection method: clinical testing. Allele origin: germline.
Comment: This sequence change replaces asparagine, which is neutral and polar, with serine, which is neutral and polar, at codon 1218 of the FANCI protein (p.Asn1218Ser). This variant is not present in population databases (gnomAD no frequency). This variant has not been reported in the literature in individuals affected with FANCI-related conditions. ClinVar contains an entry for this variant (Variation ID: 1356358). An algorithm developed to predict the effect of missense changes on protein structure and function (PolyPhen-2) suggests that this variant is likely to be tolerated. In summary, the available evidence is currently insufficient to determine the role of this variant in disease. Therefore, it has been classified as a Variant of Uncertain Significance.

NM_001113378.2(FANCI):c.3653A>G (p.Asn1218Ser)

Gene: FANCI (FA complementation group I; plus strand). Cytogenetic location: 15q26.1.
Variant type: single nucleotide variant.
Coding change: c.3653A>G on transcript NM_001113378.2 (MANE Select); coding-DNA position 3653, A replaced by G.
Protein change: p.Asn1218Ser; replaces asparagine 1218 with serine.
Molecular consequence: missense variant.
Genome position (GRCh38, 1-based): chr15:89,312,905, A>G. VCF-style: chr15-89312905-A-G. GRCh37 (hg19) VCF-style: chr15-89856136-A-G.
Other names: c.3374A>G, p.Asn1125Ser (NM_001376910.1); c.3653A>G, p.Asn1218Ser (NM_001376911.1); c.3473A>G, p.Asn1158Ser (NM_018193.3); short protein forms N1218S, N1158S, N1125S.
Identifiers: ClinVar variation 1356358 (VCV001356358.6), dbSNP rs1352752568, ClinGen allele CA393742608.